The following is an entry in ClinVar:

ClinVar aggregate classification (germline): Likely benign (1 of 4 stars; one submission).

Conditions:
Lynch syndrome 5 (LYNCH5). Also called: Colorectal cancer, hereditary nonpolyposis, type 5; Hereditary non-polyposis colorectal cancer, type 5. Identifiers: Orphanet 144, MedGen C1833477, MONDO:0013710, OMIM 614350. Disease mechanism: loss of function.

gnomAD v4.1: 1 of 1,611,906 alleles (0.000062%); highest among the groups gnomAD compares: South Asian, 0.0011%; no homozygotes.

Submission:

Myriad Genetics, Inc.
Classification: Likely benign for Lynch syndrome 5. Last evaluated: 2024-12-17. Review status: criteria provided, single submitter. Criteria: Myriad Autosomal Dominant, Autosomal Recessive and X-Linked Classification Criteria (2023). Collection method: clinical testing. Allele origin: unknown.
Comment: This variant is considered likely benign. This variant is intronic and is not expected to impact mRNA splicing.

NM_000179.3(MSH6):c.261-20G>A

Gene: MSH6 (mutS homolog 6; plus strand). Cytogenetic location: 2p16.3.
Variant type: single nucleotide variant.
Coding change: c.261-20G>A on transcript NM_000179.3 (MANE Select); 20 bases into the intron before coding-DNA position 261, G replaced by A.
Molecular consequence: intron variant. On other transcripts: 5 prime UTR variant (1).
Genome position (GRCh38, 1-based): chr2:47,790,907, G>A. VCF-style: chr2-47790907-G-A. GRCh37 (hg19) VCF-style: chr2-48018046-G-A.
Other names: c.237+7437G>A (NM_001281492.2); c.-37-20G>A (NM_001406797.1, NM_001406801.1, NM_001406818.1 and 9 more transcripts); c.-68-4987G>A (NM_001406806.1, NM_001406799.1); c.-280+7676G>A (NM_001406815.1); c.93-20G>A (NM_001406826.1); c.-476-20G>A (NM_001406829.1, NM_001406823.1, NM_001406811.1 and 1 more transcripts); c.-642-20G>A (NM_001281494.2); c.-57G>A (NM_001406830.1); and 7 more.
Identifiers: ClinVar variation 3903739 (VCV003903739.1).